The following is an entry in ClinVar:

ClinVar aggregate classification (germline): Pathogenic (1 of 4 stars; one submission).

Submission:

Labcorp Genetics (formerly Invitae), Labcorp
Classification: Pathogenic. Last evaluated: 2024-12-22. Review status: criteria provided, single submitter. Criteria: Invitae Variant Classification Sherloc (09022015). Collection method: clinical testing. Allele origin: germline.
Comment: This sequence change creates a premature translational stop signal (p.Ile622Serfs*36) in the POLE gene. It is expected to result in an absent or disrupted protein product. Loss-of-function variants in POLE are known to be pathogenic (PMID: 23230001, 25948378, 30503519). This variant is not present in population databases (gnomAD no frequency). This variant has not been reported in the literature in individuals affected with POLE-related conditions. For these reasons, this variant has been classified as Pathogenic.

Literature cited by the submitters: PubMed 23230001; PubMed 25948378; PubMed 30503519.

NM_006231.4(POLE):c.1856_1862dup (p.Ile622fs)

Gene: POLE (DNA polymerase epsilon, catalytic subunit; minus strand). Cytogenetic location: 12q24.33.
Variant type: Duplication.
Coding change: c.1856_1862dup on transcript NM_006231.4 (MANE Select); coding-DNA positions 1856 to 1862, 7 bases duplicated (GTCCACT; older notation c.1856_1862dupGTCCACT).
Protein change: p.Ile622fs; shifts the reading frame from isoleucine 622.
Molecular consequence: frameshift variant.
Genome position (GRCh38, 1-based): chr12:132,668,872-132,668,878, AGTGGAC duplicated on the plus strand (GTCCACT on the coding strand, the reverse complement: POLE is on the minus strand); duplicating any 7 consecutive bases within chr12:132,668,872-132,668,879 gives the same sequence; the c. name uses the placement nearest the transcript's 3' end. VCF-style (leftmost placement, unchanged base first): chr12-132668871-G-GAGTGGAC. GRCh37 (hg19) VCF-style: chr12-133245457-G-GAGTGGAC.
Other names: short protein forms I622fs.
Identifiers: ClinVar variation 3727734 (VCV003727734.2).